The following is an entry in ClinVar:

NM_001042492.3(NF1):c.132dup (p.Asn45fs)

Gene: NF1 (neurofibromin 1; plus strand). Cytogenetic location: 17q11.2.
Variant type: Duplication.
Coding change: c.132dup on transcript NM_001042492.3 (MANE Select); coding-DNA position 132, one base duplicated (C; older notation c.132dupC).
Protein change: p.Asn45fs; shifts the reading frame from asparagine 45.
Molecular consequence: frameshift variant.
Genome position (GRCh38, 1-based): chr17:31,156,054, C duplicated. VCF-style (leftmost placement, unchanged base first): chr17-31156053-T-TC. GRCh37 (hg19) VCF-style: chr17-29483071-T-TC.
Other names: c.132dup, p.Asn45Glnfs (NM_000267.4); c.132dup, p.Asn45fs (NM_001128147.3); short protein forms N45fs.
Identifiers: ClinVar variation 2846208 (VCV002846208.3), dbSNP rs2525417527, ClinGen allele CA2739267276.

ClinVar aggregate classification (germline): Pathogenic (1 of 4 stars; one submission).

Conditions:
Neurofibromatosis, type 1 (NF1). Also called: Neurofibromatosis, type I; VON RECKLINGHAUSEN DISEASE; NEUROFIBROMATOSIS, TYPE I, SOMATIC; Peripheral type neurofibromatosis. Identifiers: Orphanet 636, MedGen C0027831, MONDO:0018975, OMIM 162200. Disease mechanism: loss of function.

Submission:

Labcorp Genetics (formerly Invitae), Labcorp
Classification: Pathogenic for Neurofibromatosis, type 1. Last evaluated: 2023-03-16. Review status: criteria provided, single submitter. Criteria: Invitae Variant Classification Sherloc (09022015). Collection method: clinical testing. Allele origin: germline.
Comment: For these reasons, this variant has been classified as Pathogenic. This variant has not been reported in the literature in individuals affected with NF1-related conditions. This variant is not present in population databases (gnomAD no frequency). This sequence change creates a premature translational stop signal (p.Asn45Glnfs*22) in the NF1 gene. It is expected to result in an absent or disrupted protein product. Loss-of-function variants in NF1 are known to be pathogenic (PMID: 10712197, 23913538).

Literature cited by the submitters: PubMed 10712197; PubMed 23913538.